The following is an entry in ClinVar:

ClinVar aggregate classification (germline): Uncertain significance (1 of 4 stars; one submission).

Submission:

GeneDx
Classification: Uncertain significance. Last evaluated: 2025-07-25. Review status: criteria provided, single submitter. Criteria: GeneDx Variant Classification Process June 2021. Collection method: clinical testing. Allele origin: germline. Affected: yes.
Comment: Frameshift variant predicted to result in protein truncation or nonsense mediated decay in a gene or region of a gene for which loss of function is not a well-established mechanism of disease; Not observed at significant frequency in large population cohorts (gnomAD); Has not been previously published as pathogenic or benign to our knowledge

NM_002472.3(MYH8):c.500del (p.Phe167fs)

Genes: MYH8 (myosin heavy chain 8; minus strand), MYHAS (myosin heavy chain gene cluster antisense RNA; plus strand). Cytogenetic location: 17p13.1.
Variant type: Deletion.
Coding change: c.500del on transcript NM_002472.3 (MANE Select); coding-DNA position 500, one base deleted (T; older notation c.500delT).
Protein change: p.Phe167fs; shifts the reading frame from phenylalanine 167.
Molecular consequence: frameshift variant.
Genome position (GRCh38, 1-based): chr17:10,418,656, A deleted on the plus strand (T on the coding strand, the reverse complement: MYH8 is on the minus strand); the first of 2 consecutive A bases (chr17:10,418,656-10,418,657); deleting either gives the same sequence. VCF-style (leftmost placement, unchanged base first): chr17-10418655-GA-G. GRCh37 (hg19) VCF-style: chr17-10321972-GA-G.
Other names: short protein forms F167fs.
Identifiers: ClinVar variation 4689858 (VCV004689858.1).
Genomic context (GRCh38, chr17:10,418,655, plus strand): 5'-GCAAAGATTCTATTTACACATTTCTGTAAATAGATGCCTCACTCACTCACCAGTCAACAT[GA>G]ACTGATAGGCATTGTCAGAGATGGAGAAGATGTGGGGCGGGGCCTCCTGGCGCTTTTTGC-3'